The following is an entry in ClinVar:

ClinVar aggregate classification (germline): Uncertain significance (1 of 4 stars; one submission).

gnomAD v4.1: 2 of 1,612,708 alleles (0.00012%); highest among the groups gnomAD compares: East Asian, 0.0022%; no homozygotes.

Submission:

Ambry Genetics
Classification: Uncertain significance. Last evaluated: 2022-04-09. Review status: criteria provided, single submitter. Criteria: Ambry Variant Classification Scheme 2023. Collection method: clinical testing. Allele origin: germline.
Comment: The p.E198Q variant (also known as c.592G>C), located in coding exon 7 of the NPAT gene, results from a G to C substitution at nucleotide position 592. The glutamic acid at codon 198 is replaced by glutamine, an amino acid with highly similar properties. This amino acid position is conserved. In addition, this alteration is predicted to be tolerated by in silico analysis. Since supporting evidence is limited at this time, the clinical significance of this alteration remains unclear.

NM_002519.3(NPAT):c.592G>C (p.Glu198Gln)

Gene: NPAT (nuclear protein, coactivator of histone transcription; minus strand). Cytogenetic location: 11q22.3.
Variant type: single nucleotide variant.
Coding change: c.592G>C on transcript NM_002519.3 (MANE Select); coding-DNA position 592, G replaced by C.
Protein change: p.Glu198Gln; replaces glutamic acid 198 with glutamine.
Molecular consequence: missense variant.
Genome position (GRCh38, 1-based): chr11:108,188,144, C>G on the plus strand (G>C on the coding strand, the complement: NPAT is on the minus strand). VCF-style: chr11-108188144-C-G. GRCh37 (hg19) VCF-style: chr11-108058871-C-G.
Other names: c.592G>C, p.Glu198Gln (NM_001321307.1); short protein forms E198Q.
Identifiers: ClinVar variation 1750561 (VCV001750561.2), dbSNP rs1489451725, ClinGen allele CA382523175.